The following is an entry in ClinVar:

NC_000012.11:g.(?_109547614)_(109547794_?)dup

Gene: UNG (uracil DNA glycosylase; plus strand). Cytogenetic location: 12q24.11.
Variant type: Duplication.
Identifiers: ClinVar variation 645881 (VCV000645881.2).

ClinVar aggregate classification (germline): Uncertain significance (1 of 4 stars; one submission).

Conditions:
Hyper-IgM syndrome type 5 (HIGM5). Also called: Hyper-IgM Immunodeficiency Syndrome, Type 5. Identifiers: Orphanet 101092, MedGen C1720958, MONDO:0011971, OMIM 608106.

Submission:

Labcorp Genetics (formerly Invitae), Labcorp
Classification: Uncertain significance for Immunodeficiency with hyper IgM type 5. Last evaluated: 2019-12-06. Review status: criteria provided, single submitter. Criteria: Invitae Variant Classification Sherloc (09022015). Collection method: clinical testing. Allele origin: germline.
Comment: This variant results in a copy number gain of the genomic region encompassing exon 7 of the UNG gene. The 5' boundary is likely confined to intron 6. The 3' end of this event is unknown as it extends beyond the assayed region for this gene and therefore may encompass additional genes. As the precise location of this event is unknown, it may be in tandem or it may be located elsewhere in the genome. This variant has not been reported in the literature in individuals with UNG-related disease. In summary, the available evidence is currently insufficient to determine the role of this variant in disease. Therefore, it has been classified as a Variant of Uncertain Significance.